The following is an entry in ClinVar:

ClinVar aggregate classification (germline): Pathogenic (1 of 4 stars; one submission).

Conditions:
Dextro-looped transposition of the great arteries. Also called: Dextrotransposition of the great arteries. Identifiers: Orphanet 860, MedGen C3531771, MONDO:0019443, OMIM 608808, HP:0031348.

Submission:

Labcorp Genetics (formerly Invitae), Labcorp
Classification: Pathogenic for Dextro-looped transposition of the great arteries. Last evaluated: 2023-06-19. Review status: criteria provided, single submitter. Criteria: Invitae Variant Classification Sherloc (09022015). Collection method: clinical testing. Allele origin: germline.
Comment: For these reasons, this variant has been classified as Pathogenic. This variant has not been reported in the literature in individuals affected with MED13L-related conditions. This variant is not present in population databases (gnomAD no frequency). This sequence change creates a premature translational stop signal (p.Ser1260Ilefs*40) in the MED13L gene. It is expected to result in an absent or disrupted protein product. Loss-of-function variants in MED13L are known to be pathogenic (PMID: 25712080, 25758992).

Literature cited by the submitters: PubMed 25712080; PubMed 25758992.

NM_015335.5(MED13L):c.3779del (p.Ser1260fs)

Gene: MED13L (mediator complex subunit 13L; minus strand). Cytogenetic location: 12q24.21.
Variant type: Deletion.
Coding change: c.3779del on transcript NM_015335.5 (MANE Select); coding-DNA position 3779, one base deleted (G; older notation c.3779delG).
Protein change: p.Ser1260fs; shifts the reading frame from serine 1260.
Molecular consequence: frameshift variant.
Genome position (GRCh38, 1-based): chr12:115,991,175, C deleted on the plus strand (G on the coding strand, the reverse complement: MED13L is on the minus strand). VCF-style (leftmost placement, unchanged base first): chr12-115991174-AC-A. GRCh37 (hg19) VCF-style: chr12-116428979-AC-A.
Other names: short protein forms S1260fs.
Identifiers: ClinVar variation 2800293 (VCV002800293.3), dbSNP rs2499855262, ClinGen allele CA2739277337.